The following is an entry in ClinVar:

NM_000295.5(SERPINA1):c.879C>A (p.His293Gln)

Gene: SERPINA1 (serpin family A member 1; minus strand). Cytogenetic location: 14q32.13.
Variant type: single nucleotide variant.
Coding change: c.879C>A on transcript NM_000295.5 (MANE Select); coding-DNA position 879, C replaced by A.
Protein change: p.His293Gln; replaces histidine 293 with glutamine.
Molecular consequence: missense variant.
Genome position (GRCh38, 1-based): chr14:94,380,909, G>T on the plus strand (C>A on the coding strand, the complement: SERPINA1 is on the minus strand). VCF-style: chr14-94380909-G-T. GRCh37 (hg19) VCF-style: chr14-94847246-G-T.
Other names: c.879C>A, p.His293Gln (NM_001002235.3, NM_001002236.3, NM_001127700.2 and 7 more transcripts); c.879C>A (NM_000295.4); short protein forms H293Q.
Identifiers: ClinVar variation 502069 (VCV000502069.11), dbSNP rs141095970, ClinGen allele CA7327386.
Genomic context (GRCh38, chr14:94,380,909, plus strand): 5'-CACCCTCAGGTTGGGGAATCACCTTCTGTCTTCATTTTCCAGGAACTTGGTGATGATATC[G>T]TGGGTGAGTTCATTTTCCAGGTGCTGTAGTTTCCCCTCATCAGGCAGGAAGAAGATGGCG-3'
Protein context (NP_000286.3, residues 283-303): KLQHLENELT[His293Gln]DIITKFLENE

ClinVar aggregate classification (germline): Conflicting classifications of pathogenicity. Review status: criteria provided, conflicting classifications (1 of 4 stars). 3 submissions from 3 submitters: Uncertain significance (2); Likely benign (1). Last evaluated 2026-05-01.

Conditions:
Alpha-1-antitrypsin deficiency (A1ATD). Also called: AAT deficiency; A1AT deficiency; Alpha1-Antitrypsin Deficiency. Identifiers: Orphanet 60, MedGen C0221757, MONDO:0013282, OMIM 613490.
SERPINA1-related disorder. Also called: SERPINA1-related condition; SerpinA1-related disorders.

Allele frequency attached by ClinVar (database versions not stated): ExAC 0.00021; gnomAD 0.00047 and 0.00054; TOPMed 0.00053; 1000 Genomes Project 0.00060; 1000 Genomes Project 30x 0.00062; ESP Exome Variant Server 0.00069.
gnomAD v4.1: 138 of 1,614,222 alleles (0.0085%); highest among the groups gnomAD compares: African/African-American, 0.17%; 1 homozygote.

Submissions (3):

PreventionGenetics, part of Exact Sciences
Classification: Uncertain significance for SERPINA1-related condition. Last evaluated: 2026-05-01. Review status: criteria provided, single submitter. Criteria: ACMG Guidelines, 2015. Collection method: clinical testing. Allele origin: germline.
Comment: The SERPINA1 c.879C>A variant is predicted to result in the amino acid substitution p.His293Gln. This variant has been reported in a study of heavy smokers with emphysema or chronic obstructive lung disease (Ortega et al. 2020. PubMed ID: 31661293) and in an adult patient with hepatic cytolysis, cholestasis and cirrhosis of the liver (Renoux et al. 2018. PubMed ID: 30223862). This variant is reported in 0.18% of alleles in individuals of African descent in gnomAD. Although we suspect that this variant may be benign, at this time, the clinical significance of this variant is uncertain due to the absence of conclusive functional and genetic evidence.

Labcorp Genetics (formerly Invitae), Labcorp
Classification: Likely benign for Alpha-1-antitrypsin deficiency. Last evaluated: 2025-12-17. Review status: criteria provided, single submitter. Criteria: Invitae Variant Classification Sherloc (09022015). Collection method: clinical testing. Allele origin: germline.

Eurofins Ntd Llc (ga)
Classification: Uncertain significance. Last evaluated: 2018-01-04. Review status: criteria provided, single submitter. Criteria: EGL Classification Definitions 2015. Collection method: clinical testing. Allele origin: germline. Observed: 4 variant alleles, 4 heterozygotes.